The following is an entry in ClinVar:

NM_001040108.2(MLH3):c.19G>A (p.Val7Ile)

Gene: MLH3 (mutL homolog 3; minus strand). Cytogenetic location: 14q24.3.
Variant type: single nucleotide variant.
Coding change: c.19G>A on transcript NM_001040108.2 (MANE Select); coding-DNA position 19, G replaced by A.
Protein change: p.Val7Ile; replaces valine 7 with isoleucine.
Molecular consequence: missense variant.
Genome position (GRCh38, 1-based): chr14:75,049,637, C>T on the plus strand (G>A on the coding strand, the complement: MLH3 is on the minus strand). VCF-style: chr14-75049637-C-T. GRCh37 (hg19) VCF-style: chr14-75516340-C-T.
Other names: c.19G>A, p.Val7Ile (NM_014381.3); short protein forms V7I.
Identifiers: ClinVar variation 4108689 (VCV004108689.1).

ClinVar aggregate classification (germline): Uncertain significance (1 of 4 stars; one submission).

Submission:

Ambry Genetics
Classification: Uncertain significance. Last evaluated: 2025-09-10. Review status: criteria provided, single submitter. Criteria: Ambry Variant Classification Scheme 2023. Collection method: clinical testing. Allele origin: germline.
Comment: The p.V7I variant (also known as c.19G>A), located in coding exon 1 of the MLH3 gene, results from a G to A substitution at nucleotide position 19. The valine at codon 7 is replaced by isoleucine, an amino acid with highly similar properties. This amino acid position is conserved. In addition, this alteration is predicted to be tolerated by in silico analysis. Based on the available evidence, the clinical significance of this variant remains unclear.